The following is an entry in ClinVar:

ClinVar aggregate classification (germline): Benign/Likely benign. Review status: criteria provided, multiple submitters, no conflicts (2 of 4 stars). 6 submissions from 6 submitters: Benign (5); Likely benign (1). Last evaluated 2026-02-04.

Conditions:
Inborn genetic diseases. Identifiers: MedGen C0950123, MeSH D030342.
Cohen syndrome (COH1). Also called: PEPPER SYNDROME; Cutis verticis gyrata, retinitis pigmentosa, and sensorineural deafness. Identifiers: Orphanet 193, MedGen C0265223, MONDO:0008999, OMIM 216550.

Submissions (6):

Labcorp Genetics (formerly Invitae), Labcorp
Classification: Benign for Cohen syndrome. Last evaluated: 2026-02-04. Review status: criteria provided, single submitter. Criteria: Invitae Variant Classification Sherloc (09022015). Collection method: clinical testing. Allele origin: germline.

Blueprint Genetics
Classification: Likely benign. Last evaluated: 2024-11-27. Review status: criteria provided, single submitter. Criteria: ACMG Guidelines, 2015. Collection method: clinical testing. Allele origin: germline.

GeneDx
Classification: Benign. Last evaluated: 2020-07-24. Review status: criteria provided, single submitter. Criteria: GeneDx Variant Classification Process June 2021. Collection method: clinical testing. Allele origin: germline. Affected: yes.

Women's Health and Genetics/Laboratory Corporation of America, LabCorp
Classification: Benign. Last evaluated: 2017-09-18. Review status: criteria provided, single submitter. Criteria: LabCorp Variant Classification Summary - May 2015. Collection method: clinical testing. Allele origin: germline.
Comment: Variant summary: c.6530-4dupT in VPS13B gene is an intronic change that involves a non-conserved nucleotide. 5/5 programs in Alamut predict that this variant does not affect a normal splicing, however no functional studies supporting this notion were published at the time of evaluation. The variant is present in the control population dataset of ExAC at frequency of 0.01956 (1930/98690 chrs tested, including 49 homozygotes), predominantly in individuals of South Asian descent (0.068; 1002/14612 chrs tested). The observed frequency greatly exceeds the maximum expected allele frequency for a pathogenic variant of 0.0025, suggesting that it is likely to be a common polymorphism. The variant of interest has not, to our knowledge, been reported in affected individuals in published reports but is cited as Likely Benign/Benign by reputable database/clinical laboratory. Taking together, the variant was classified as Benign.

Ambry Genetics
Classification: Benign for Inborn genetic diseases. Last evaluated: 2017-05-15. Review status: criteria provided, single submitter. Criteria: Ambry Variant Classification Scheme 2023. Collection method: clinical testing. Allele origin: germline.

Eurofins Ntd Llc (ga)
Classification: Benign. Last evaluated: 2013-03-11. Review status: criteria provided, single submitter. Criteria: EGL Classification Definitions. Collection method: clinical testing. Allele origin: germline. Observed: 2 variant alleles, 2 heterozygotes.

Literature cited by the submitters: PubMed 23757202 (cited by Eurofins Ntd Llc (ga)).

NM_152564.5(VPS13B):c.6455-4dup

Gene: VPS13B (vacuolar protein sorting 13 homolog B; plus strand). Cytogenetic location: 8q22.2.
Variant type: Duplication.
Coding change: c.6455-4dup on transcript NM_152564.5 (MANE Select); 4 bases into the intron before coding-DNA position 6455, one base duplicated (T; older notation c.6455-4dupT).
Molecular consequence: intron variant.
Genome position (GRCh38, 1-based): chr8:99,717,167, T duplicated; the last of 9 consecutive T bases (chr8:99,717,159-99,717,167); duplicating any one gives the same sequence. VCF-style (leftmost placement, unchanged base first): chr8-99717158-A-AT. GRCh37 (hg19) VCF-style: chr8-100729386-A-AT.
Other names: c.6530-4dup (NM_017890.5); c.6530-4dupT (NM_017890.4).
Identifiers: ClinVar variation 95861 (VCV000095861.25), dbSNP rs398124337, ClinGen allele CA148958.
Genomic context (GRCh38, chr8:99,717,158, plus strand): 5'-ATATAGATAGTTCTTTCCCAAACATTTTTTTTGATAAGGATGAATTATATACTCTTCTGT[A>AT]TTTTTTTTTCAGGCATAATTCTTGGGTCATCATTTCTACTCAGTATAAACGATTTTCTCC-3'